The following is an entry in ClinVar:

NM_001190737.2(NFIB):c.367C>T (p.Gln123Ter)

Gene: NFIB (nuclear factor I B; minus strand). Cytogenetic location: 9p22.3.
Variant type: single nucleotide variant.
Coding change: c.367C>T on transcript NM_001190737.2 (MANE Select); coding-DNA position 367, C replaced by T.
Protein change: p.Gln123Ter; replaces glutamine 123 with a stop codon.
Molecular consequence: nonsense. On other transcripts: intron variant (3).
Genome position (GRCh38, 1-based): chr9:14,307,184, G>A on the plus strand (C>T on the coding strand, the complement: NFIB is on the minus strand). VCF-style: chr9-14307184-G-A. GRCh37 (hg19) VCF-style: chr9-14307183-G-A.
Other names: c.445C>T, p.Gln149Ter (NM_001190738.2); c.433C>T, p.Gln145Ter (NM_001369458.1, NM_001369459.1, NM_001369462.1 and 1 more transcripts); c.355C>T, p.Gln119Ter (NM_001369460.1, NM_001369463.1, NM_001369466.1 and 2 more transcripts); c.367C>T, p.Gln123Ter (NM_001369461.1, NM_001369464.1, NM_001369471.1 and 3 more transcripts); c.340C>T, p.Gln114Ter (NM_001369465.1, NM_001369467.1, NM_001369476.1); c.223C>T, p.Gln75Ter (NM_001369469.1); c.352C>T, p.Gln118Ter (NM_001369474.1); c.325+30C>T (NM_001369478.1, NM_001369470.1); and 1 more; short protein forms Q114*, Q118*, Q119*, Q123*, Q145*, Q149*, Q75*.
Identifiers: ClinVar variation 1184959 (VCV001184959.3), dbSNP rs2132702648, ClinGen allele CA373090249.

ClinVar aggregate classification (germline): Likely pathogenic. Review status: criteria provided, multiple submitters, no conflicts (2 of 4 stars). 2 submissions from 2 submitters: Likely pathogenic (2). Last evaluated 2024-08-15.

Conditions:
Macrocephaly, acquired, with impaired intellectual development. Also called: MACROCEPHALY, ACQUIRED, WITH MENTAL RETARDATION. Identifiers: MedGen C4748993, MONDO:0032658, OMIM 618286.

Submissions (2):

Laboratorio de Genetica e Diagnostico Molecular, Hospital Israelita Albert Einstein
Classification: Likely pathogenic for Macrocephaly, acquired, with impaired intellectual development. Last evaluated: 2024-08-15. Review status: criteria provided, single submitter. Criteria: ACMG Guidelines, 2015. Collection method: clinical testing. Allele origin: germline. Affected: yes.
Comment: ACMG classification criteria: PVS1 very strong, PM2 supporting

Institute of Medical Genetics and Applied Genomics, University Hospital Tübingen
Classification: Likely pathogenic. Last evaluated: 2021-06-17. Review status: criteria provided, single submitter. Criteria: ACMG Guidelines, 2015. Collection method: clinical testing. Allele origin: germline. Inheritance: Autosomal dominant inheritance. Affected: yes.